The following is an entry in ClinVar:

ClinVar aggregate classification (germline): Uncertain significance (1 of 4 stars; one submission).

Conditions:
Developmental and epileptic encephalopathy, 54. Also called: Epileptic encephalopathy, early infantile, 54; HNRNPU-Related Neurodevelopmental Disorder. Identifiers: MedGen C4479319, MONDO:0033363, OMIM 617391.

Submission:

Labcorp Genetics (formerly Invitae), Labcorp
Classification: Uncertain significance for Developmental and epileptic encephalopathy, 54. Last evaluated: 2023-04-22. Review status: criteria provided, single submitter. Criteria: Invitae Variant Classification Sherloc (09022015). Collection method: clinical testing. Allele origin: germline.
Comment: This variant is not present in population databases (gnomAD no frequency). In summary, the available evidence is currently insufficient to determine the role of this variant in disease. Therefore, it has been classified as a Variant of Uncertain Significance. An algorithm developed to predict the effect of missense changes on protein structure and function (PolyPhen-2) suggests that this variant is likely to be disruptive. This variant has not been reported in the literature in individuals affected with HNRNPU-related conditions. This sequence change replaces leucine, which is neutral and non-polar, with proline, which is neutral and non-polar, at codon 99 of the HNRNPU protein (p.Leu99Pro).

NM_031844.3(HNRNPU):c.296T>C (p.Leu99Pro)

Gene: HNRNPU (heterogeneous nuclear ribonucleoprotein U; minus strand). Cytogenetic location: 1q44.
Variant type: single nucleotide variant.
Coding change: c.296T>C on transcript NM_031844.3 (MANE Select); coding-DNA position 296, T replaced by C.
Protein change: p.Leu99Pro; replaces leucine 99 with proline.
Molecular consequence: missense variant.
Genome position (GRCh38, 1-based): chr1:244,864,012, A>G on the plus strand (T>C on the coding strand, the complement: HNRNPU is on the minus strand). VCF-style: chr1-244864012-A-G. GRCh37 (hg19) VCF-style: chr1-245027314-A-G.
Other names: c.296T>C, p.Leu99Pro (NM_004501.3); short protein forms L99P.
Identifiers: ClinVar variation 2858373 (VCV002858373.3), dbSNP rs2527895512, ClinGen allele CA345497438.